The following is an entry in ClinVar:

NM_002499.4(NEO1):c.879-11_879-8del

Gene: NEO1 (neogenin 1; plus strand). Cytogenetic location: 15q24.1.
Variant type: Deletion.
Coding change: c.879-11_879-8del on transcript NM_002499.4 (MANE Select); 11 bases into the intron before coding-DNA position 879 through 8 bases into the intron before coding-DNA position 879, 4 bases deleted (TTTT; older notation c.879-11_879-8delTTTT).
Molecular consequence: intron variant.
Genome position (GRCh38, 1-based): chr15:73,135,880-73,135,883, TTTT deleted; deleting any 4 consecutive bases within chr15:73,135,864-73,135,883 gives the same sequence; the c. name uses the placement nearest the transcript's 3' end. VCF-style (leftmost placement, unchanged base first): chr15-73135863-CTTTT-C. GRCh37 (hg19) VCF-style: chr15-73428204-CTTTT-C.
Other names: NC_000015.9:g.73428221_73428224del; c.879-11_879-8del (NM_001172624.2, NM_001419531.1, NM_001172623.2).
Identifiers: ClinVar variation 3038312 (VCV003038312.3), dbSNP rs376822156, ClinGen allele CA7647750.

ClinVar aggregate classification (germline): Benign (0 of 4 stars; one submission).

Conditions:
NEO1-related disorder. Also called: NEO1-related condition.

Submissions (3):

PreventionGenetics, part of Exact Sciences
Classification: Benign for NEO1-related condition. Last evaluated: 2019-03-25. Review status: no assertion criteria provided. Collection method: clinical testing. Allele origin: germline.
Comment: This variant is classified as benign based on ACMG/AMP sequence variant interpretation guidelines (Richards et al. 2015 PMID: 25741868, with internal and published modifications).

Dr. Peter K. Rogan Lab, Western University
No classification provided (evidence only). Condition: Uterine corpus endometrial carcinoma. Review status: no classification provided. Collection method: in vitro. Allele origin: not applicable. Functional consequence: retained intron. Not counted in ClinVar's aggregate classification.

Dr. Peter K. Rogan Lab, Western University
No classification provided (evidence only). Condition: Uterine corpus endometrial carcinoma. Review status: no classification provided. Collection method: in vitro. Allele origin: not applicable. Functional consequence: retained intron. Not counted in ClinVar's aggregate classification.